The following is an entry in ClinVar:

ClinVar aggregate classification (germline): Uncertain significance. Review status: criteria provided, multiple submitters, no conflicts (2 of 4 stars). 4 submissions from 4 submitters: Uncertain significance (4). Last evaluated 2024-04-11.

Conditions:
Neuroblastoma, susceptibility to, 3. Also called: ALK-Related Neuroblastic Tumor Susceptibility. Identifiers: Orphanet 635, MedGen C2751681, MONDO:0013083, OMIM 613014.
Hereditary cancer-predisposing syndrome. Also called: Hereditary neoplastic syndrome; Tumor predisposition; Neoplastic Syndromes, Hereditary; Hereditary Cancer Syndrome. Identifiers: Orphanet 140162, MedGen C0027672, MeSH D009386, MONDO:0015356.

Allele frequency attached by ClinVar (database versions not stated): gnomAD exomes 0.00002 and 0.00001; TOPMed below 0.00001; gnomAD 0.00001; ExAC 0.00002.
gnomAD v4.1: 14 of 1,614,036 alleles (0.00087%); highest among the groups gnomAD compares: East Asian, 0.0022%; no homozygotes.

Submissions (4):

Ambry Genetics
Classification: Uncertain significance for Hereditary cancer-predisposing syndrome. Last evaluated: 2024-04-11. Review status: criteria provided, single submitter. Criteria: Ambry Variant Classification Scheme 2023. Collection method: clinical testing. Allele origin: germline.
Comment: The p.V623M variant (also known as c.1867G>A), located in coding exon 10 of the ALK gene, results from a G to A substitution at nucleotide position 1867. The valine at codon 623 is replaced by methionine, an amino acid with highly similar properties. This amino acid position is conserved. In addition, this alteration is predicted to be tolerated by in silico analysis. Since supporting evidence is limited at this time, the clinical significance of this alteration remains unclear.

GeneDx
Classification: Uncertain significance. Last evaluated: 2024-02-21. Review status: criteria provided, single submitter. Criteria: GeneDx Variant Classification Process June 2021. Collection method: clinical testing. Allele origin: germline. Affected: yes.
Comment: In silico analysis supports that this missense variant does not alter protein structure/function; Has not been previously published as pathogenic or benign to our knowledge; This variant is associated with the following publications: (PMID: 28481359)

Labcorp Genetics (formerly Invitae), Labcorp
Classification: Uncertain significance for Neuroblastoma, susceptibility to, 3. Last evaluated: 2024-02-11. Review status: criteria provided, single submitter. Criteria: Invitae Variant Classification Sherloc (09022015). Collection method: clinical testing. Allele origin: germline.
Comment: This sequence change replaces valine, which is neutral and non-polar, with methionine, which is neutral and non-polar, at codon 623 of the ALK protein (p.Val623Met). This variant is present in population databases (rs768256091, gnomAD 0.006%). This variant has not been reported in the literature in individuals affected with ALK-related conditions. ClinVar contains an entry for this variant (Variation ID: 949388). An algorithm developed to predict the effect of missense changes on protein structure and function (PolyPhen-2) suggests that this variant is likely to be disruptive. In summary, the available evidence is currently insufficient to determine the role of this variant in disease. Therefore, it has been classified as a Variant of Uncertain Significance.

Baylor Genetics
Classification: Uncertain significance for Neuroblastoma, susceptibility to, 3. Last evaluated: 2024-01-05. Review status: criteria provided, single submitter. Criteria: ACMG Guidelines, 2015. Collection method: clinical testing. Allele origin: unknown.

NM_004304.5(ALK):c.1867G>A (p.Val623Met)

Gene: ALK (ALK receptor tyrosine kinase; minus strand). Cytogenetic location: 2p23.2.
Variant type: single nucleotide variant.
Coding change: c.1867G>A on transcript NM_004304.5 (MANE Select); coding-DNA position 1867, G replaced by A.
Protein change: p.Val623Met; replaces valine 623 with methionine.
Molecular consequence: missense variant.
Genome position (GRCh38, 1-based): chr2:29,275,447, C>T on the plus strand (G>A on the coding strand, the complement: ALK is on the minus strand). VCF-style: chr2-29275447-C-T. GRCh37 (hg19) VCF-style: chr2-29498313-C-T.
Other names: short protein forms V623M.
Identifiers: ClinVar variation 949388 (VCV000949388.13), dbSNP rs768256091, ClinGen allele CA1594503.